The following is an entry in ClinVar:

NM_024408.4(NOTCH2):c.3117G>A (p.Thr1039=)

Gene: NOTCH2 (notch receptor 2; minus strand). Cytogenetic location: 1p12.
Variant type: single nucleotide variant.
Coding change: c.3117G>A on transcript NM_024408.4 (MANE Select); coding-DNA position 3117, G replaced by A.
Protein change: p.Thr1039=; no amino-acid change (threonine 1039 retained).
Molecular consequence: synonymous variant.
Genome position (GRCh38, 1-based): chr1:119,940,621, C>T on the plus strand (G>A on the coding strand, the complement: NOTCH2 is on the minus strand). VCF-style: chr1-119940621-C-T. GRCh37 (hg19) VCF-style: chr1-120483244-C-T.
Other names: p.Thr1039=; c.3117G>A, p.Thr1039= (NM_001200001.2).
Identifiers: ClinVar variation 261701 (VCV000261701.19), dbSNP rs36084504, ClinGen allele CA1040141.

ClinVar aggregate classification (germline): Benign/Likely benign. Review status: criteria provided, multiple submitters, no conflicts (2 of 4 stars). 7 submissions from 7 submitters: Benign (3); Likely benign (2). 2 of the submissions do not count toward it. Last evaluated 2026-02-01.

Conditions:
Hajdu-Cheney syndrome (HJCYS). Also called: SERPENTINE FIBULA-POLYCYSTIC KIDNEY SYNDROME; ACROOSTEOLYSIS WITH OSTEOPOROSIS AND CHANGES IN SKULL AND MANDIBLE; Acroosteolysis dominant type. Identifiers: Orphanet 955, MedGen C0917715, MONDO:0007057, OMIM 102500.

Allele frequency attached by ClinVar (database versions not stated): ExAC 0.00277; gnomAD 0.00764 and 0.00817; 1000 Genomes Project 0.00879; 1000 Genomes Project 30x 0.00906; TOPMed 0.00911; ESP Exome Variant Server 0.01007.
gnomAD v4.1: 2,382 of 1,614,052 alleles (0.15%); highest among the groups gnomAD compares: African/African-American, 2.6%; 25 homozygotes.

Submissions (7):

Labcorp Genetics (formerly Invitae), Labcorp
Classification: Benign for Hajdu-Cheney syndrome. Last evaluated: 2026-02-01. Review status: criteria provided, single submitter. Criteria: Invitae Variant Classification Sherloc (09022015). Collection method: clinical testing. Allele origin: germline.

Mayo Clinic Laboratories, Mayo Clinic
Classification: Benign. Last evaluated: 2022-11-18. Review status: criteria provided, single submitter. Criteria: ACMG Guidelines, 2015. Collection method: clinical testing. Allele origin: germline. Observed: 9 variant alleles.
Comment: BS1, BS2, BP4, BP7

GeneDx
Classification: Likely benign. Last evaluated: 2020-12-16. Review status: criteria provided, single submitter. Criteria: GeneDx Variant Classification Process June 2021. Collection method: clinical testing. Allele origin: germline. Affected: yes.

Breakthrough Genomics
Classification: Likely benign. Review status: criteria provided, single submitter. Criteria: ACMG Guidelines, 2015. Collection method: not provided. Allele origin: germline. Inheritance: Autosomal dominant inheritance. Affected: yes.

PreventionGenetics, part of Exact Sciences
Classification: Benign. Review status: criteria provided, single submitter. Criteria: ACMG Guidelines, 2015. Collection method: clinical testing. Allele origin: germline.

Clinical Genetics DNA and cytogenetics Diagnostics Lab, Erasmus MC, Erasmus Medical Center
Classification: Benign. Review status: no assertion criteria provided. Collection method: clinical testing. Allele origin: germline. Affected: yes. Study: VKGL Data-share Consensus. Not counted in ClinVar's aggregate classification.

Genome Diagnostics Laboratory, University Medical Center Utrecht
Classification: Benign. Review status: no assertion criteria provided. Collection method: clinical testing. Allele origin: germline. Affected: yes. Study: VKGL Data-share Consensus. Not counted in ClinVar's aggregate classification.